The following is an entry in ClinVar:

NM_001329943.3(KIAA0586):c.1253+1G>A

Gene: KIAA0586 (KIAA0586; plus strand). Cytogenetic location: 14q23.1.
Variant type: single nucleotide variant.
Coding change: c.1253+1G>A on transcript NM_001329943.3 (MANE Select); the canonical splice donor site of the intron after coding-DNA position 1253, G replaced by A.
Molecular consequence: splice donor variant.
Genome position (GRCh38, 1-based): chr14:58,453,474, G>A. VCF-style: chr14-58453474-G-A. GRCh37 (hg19) VCF-style: chr14-58920192-G-A.
Other names: c.1412+1G>A (NM_001244189.2); c.1208+1G>A (NM_001244190.2); c.1121+1G>A (NM_001244192.2); c.998+1G>A (NM_001244191.2, NM_001364701.2, NM_001329945.2 and 1 more transcripts); c.1253+1G>A (NM_001329944.2, NM_001329946.2, NM_001329947.2 and 1 more transcripts); c.833+1G>A (NM_001244193.2).
Identifiers: ClinVar variation 2951452 (VCV002951452.3), dbSNP rs531197147, ClinGen allele CA389867077.

ClinVar aggregate classification (germline): Likely pathogenic (1 of 4 stars; one submission).

Conditions:
Short-rib thoracic dysplasia 14 with polydactyly (SRTD14). Identifiers: Orphanet 397715, MedGen C4225286, MONDO:0014688, OMIM 616546.
Joubert syndrome 23 (JBTS23). Identifiers: Orphanet 475, MedGen C4084822, MONDO:0014664, OMIM 616490.

gnomAD v4.1: 4 of 1,493,978 alleles (0.00027%); highest among the groups gnomAD compares: Non-Finnish European, 0.00035%; no homozygotes.

Submission:

Labcorp Genetics (formerly Invitae), Labcorp
Classification: Likely pathogenic for Joubert syndrome 23; Short-rib thoracic dysplasia 14 with polydactyly. Last evaluated: 2023-11-09. Review status: criteria provided, single submitter. Criteria: Invitae Variant Classification Sherloc (09022015). Collection method: clinical testing. Allele origin: germline.
Comment: This sequence change affects a donor splice site in intron 11 of the KIAA0586 gene. It is expected to disrupt RNA splicing. Variants that disrupt the donor or acceptor splice site typically lead to a loss of protein function (PMID: 16199547), and loss-of-function variants in KIAA0586 are known to be pathogenic (PMID: 26096313, 26166481, 26386044). This variant is not present in population databases (gnomAD no frequency). This variant has not been reported in the literature in individuals affected with KIAA0586-related conditions. Algorithms developed to predict the effect of sequence changes on RNA splicing suggest that this variant may disrupt the consensus splice site. In summary, the currently available evidence indicates that the variant is pathogenic, but additional data are needed to prove that conclusively. Therefore, this variant has been classified as Likely Pathogenic.

Literature cited by the submitters: PubMed 16199547; PubMed 26096313; PubMed 26166481; PubMed 26386044.